The following is an entry in ClinVar:

NM_032447.5(FBN3):c.3029A>G (p.His1010Arg)

Gene: FBN3 (fibrillin 3; minus strand). Cytogenetic location: 19p13.2.
Variant type: single nucleotide variant.
Coding change: c.3029A>G on transcript NM_032447.5 (MANE Select); coding-DNA position 3029, A replaced by G.
Protein change: p.His1010Arg; replaces histidine 1010 with arginine.
Molecular consequence: missense variant.
Genome position (GRCh38, 1-based): chr19:8,123,517, T>C on the plus strand (A>G on the coding strand, the complement: FBN3 is on the minus strand). VCF-style: chr19-8123517-T-C. GRCh37 (hg19) VCF-style: chr19-8188401-T-C.
Other names: c.3029A>G, p.His1010Arg (NM_001321431.2); short protein forms H1010R.
Identifiers: ClinVar variation 4739789 (VCV004739789.1).
Genomic context (GRCh38, chr19:8,123,517, plus strand): 5'-CACCTACCTGTGCAGTTCCGTTCCTGGGCATCCAGGGCGAAGCCCCCCGCACAGGCGCAG[T>C]GGAAGCTGCCCACCGTGTTTCTGCAGGTACCGTGCGTGCAGAGGCCAGGGAACACCTTGC-3'
Protein context (NP_115823.3, residues 1000-1020): GTCRNTVGSF[His1010Arg]CACAGGFALD

ClinVar aggregate classification (germline): Uncertain significance (1 of 4 stars; one submission).

gnomAD v4.1: 10 of 1,614,124 alleles (0.00062%); highest among the groups gnomAD compares: Non-Finnish European, 0.00085%; no homozygotes.

Submission:

Labcorp Genetics (formerly Invitae), Labcorp
Classification: Uncertain significance. Last evaluated: 2025-09-28. Review status: criteria provided, single submitter. Criteria: Invitae Variant Classification Sherloc (09022015). Collection method: clinical testing. Allele origin: germline.
Comment: This sequence change replaces histidine, which is basic and polar, with arginine, which is basic and polar, at codon 1010 of the FBN3 protein (p.His1010Arg). This variant is not present in population databases (gnomAD no frequency). This variant has not been reported in the literature in individuals affected with FBN3-related conditions. Invitae Evidence Modeling of protein sequence and biophysical properties (such as structural, functional, and spatial information, amino acid conservation, physicochemical variation, residue mobility, and thermodynamic stability) indicates that this missense variant is not expected to disrupt FBN3 protein function with a negative predictive value of 80%. In summary, the available evidence is currently insufficient to determine the role of this variant in disease. Therefore, it has been classified as a Variant of Uncertain Significance.